The following is an entry in ClinVar:

ClinVar aggregate classification (germline): Likely benign. Review status: criteria provided, multiple submitters, no conflicts (2 of 4 stars). 3 submissions from 3 submitters: Likely benign (2). 1 of the submissions does not count toward it. Last evaluated 2025-11-13.

Conditions:
ACAN-related disorder. Also called: ACAN-related disorders; ACAN-related condition.

Allele frequency attached by ClinVar (database versions not stated): TOPMed 0.00004; gnomAD 0.00005; gnomAD exomes 0.00005; ExAC 0.00007.
gnomAD v4.1: 85 of 1,613,736 alleles (0.0053%); highest among the groups gnomAD compares: East Asian, 0.022%; no homozygotes.

Submissions (3):

Labcorp Genetics (formerly Invitae), Labcorp
Classification: Likely benign. Last evaluated: 2025-11-13. Review status: criteria provided, single submitter. Criteria: Invitae Variant Classification Sherloc (09022015). Collection method: clinical testing. Allele origin: germline.

Blueprint Genetics
Classification: Likely benign. Last evaluated: 2023-05-31. Review status: criteria provided, single submitter. Criteria: ACMG Guidelines, 2015. Collection method: clinical testing. Allele origin: germline.

PreventionGenetics, part of Exact Sciences
Classification: Likely benign for ACAN-related condition. Last evaluated: 2021-12-14. Review status: no assertion criteria provided. Collection method: clinical testing. Allele origin: germline. Not counted in ClinVar's aggregate classification.
Comment: This variant is classified as likely benign based on ACMG/AMP sequence variant interpretation guidelines (Richards et al. 2015 PMID: 25741868, with internal and published modifications).

NM_001369268.1(ACAN):c.1971T>C (p.Pro657=)

Gene: ACAN (aggrecan; plus strand). Cytogenetic location: 15q26.1.
Variant type: single nucleotide variant.
Coding change: c.1971T>C on transcript NM_001369268.1 (MANE Select); coding-DNA position 1971, T replaced by C.
Protein change: p.Pro657=; no amino-acid change (proline 657 retained).
Molecular consequence: synonymous variant.
Genome position (GRCh38, 1-based): chr15:88,849,676, T>C. VCF-style: chr15-88849676-T-C. GRCh37 (hg19) VCF-style: chr15-89392907-T-C.
Other names: c.1971T>C (NM_013227.3); c.1971T>C, p.Pro657= (NM_001135.4, NM_001411096.1, NM_001411097.1 and 1 more transcripts).
Identifiers: ClinVar variation 2071559 (VCV002071559.7), dbSNP rs376926374, ClinGen allele CA7719742.
Genomic context (GRCh38, chr15:88,849,676, plus strand): 5'-CACCCCAAGGCCTGCCTGCGGTGGGGACAAGCCAGGCGTGAGAACGGTCTACCTCTACCC[T>C]AACCAGACGGGCCTCCCAGACCCACTGTCCCGGCACCATGCCTTCTGCTTCCGAGGTATG-3'
Protein context (NP_001356197.1, residues 647-667): KPGVRTVYLY[Pro657=]NQTGLPDPLS